The following is an entry in ClinVar:

ClinVar aggregate classification (germline): Likely benign (1 of 4 stars; one submission).

gnomAD v4.1: 136 of 152,096 alleles (0.089%); highest among the groups gnomAD compares: Non-Finnish European, 0.17%; no homozygotes.

Submission:

CeGaT Center for Human Genetics Tuebingen
Classification: Likely benign. Last evaluated: 2025-03-01. Review status: criteria provided, single submitter. Criteria: CeGaT Center For Human Genetics Tuebingen Variant Classification Criteria Version 2. Collection method: clinical testing. Allele origin: germline. Affected: yes. Observed: 2 variant alleles.
Comment: FGFR1: BS1

NM_023110.3(FGFR1):c.-89+4354G>A

Gene: FGFR1 (fibroblast growth factor receptor 1; minus strand). Cytogenetic location: 8p11.23.
Variant type: single nucleotide variant.
Coding change: c.-89+4354G>A on transcript NM_023110.3 (MANE Select); 4354 bases into the intron after 89 bases upstream of the start codon, G replaced by A.
Molecular consequence: intron variant.
Genome position (GRCh38, 1-based): chr8:38,463,627, C>T on the plus strand (G>A on the coding strand, the complement: FGFR1 is on the minus strand). VCF-style: chr8-38463627-C-T. GRCh37 (hg19) VCF-style: chr8-38321145-C-T.
Other names: c.-89+4354G>A (NM_001354368.2, NM_001354370.2, NM_023106.3 and 4 more transcripts); c.-181+4354G>A (NM_001174064.2); c.-89+4045G>A (NM_001174066.2, NM_001354369.2, NM_001410922.1 and 1 more transcripts); c.-149-2372G>A (NM_001174067.2).
Identifiers: ClinVar variation 3771257 (VCV003771257.13).